The following is an entry in ClinVar:

ClinVar aggregate classification (germline): Uncertain significance (1 of 4 stars; one submission).

Submission:

GeneDx
Classification: Uncertain significance. Last evaluated: 2025-10-13. Review status: criteria provided, single submitter. Criteria: GeneDx Variant Classification Process June 2021. Collection method: clinical testing. Allele origin: germline.
Comment: Not observed at significant frequency in large population cohorts (gnomAD); In silico analysis supports that this missense variant has a deleterious effect on protein structure/function; Has not been previously published as pathogenic or benign to our knowledge

NM_015570.4(AUTS2):c.10C>A (p.Pro4Thr)

Gene: AUTS2 (activator of transcription and developmental regulator AUTS2; plus strand). Cytogenetic location: 7q11.22.
Variant type: single nucleotide variant.
Coding change: c.10C>A on transcript NM_015570.4 (MANE Select); coding-DNA position 10, C replaced by A.
Protein change: p.Pro4Thr; replaces proline 4 with threonine.
Molecular consequence: missense variant.
Genome position (GRCh38, 1-based): chr7:69,599,663, C>A. VCF-style: chr7-69599663-C-A. GRCh37 (hg19) VCF-style: chr7-69064649-C-A.
Other names: c.10C>A, p.Pro4Thr (NM_001127231.3, NM_001127232.3); short protein forms P4T.
Identifiers: ClinVar variation 3360953 (VCV003360953.2).
Genomic context (GRCh38, chr7:69,599,663, plus strand): 5'-GCGGCCGTAGCCTGTGGCGGGCAAGCGGGGAGACCCCGGCGCAGCAGAACCATGGATGGC[C>A]CGACGCGGGGCCATGGACTCCGCAAAAAGCGGCGGTCGCGGTCGCAGCGAGACCGGGAGA-3'
Protein context (NP_056385.1, residues 1-14): MDG[Pro4Thr]TRGHGLRKKR